The following is an entry in ClinVar:

ClinVar aggregate classification (germline): Conflicting classifications of pathogenicity. Review status: criteria provided, conflicting classifications (1 of 4 stars). 9 submissions from 9 submitters: Uncertain significance (5); Likely benign (4). Last evaluated 2025-08-27.

Conditions:
Hereditary von Willebrand disease. Identifiers: Orphanet 903, MedGen C5703318, MONDO:0019565. Inheritance: Autosomal recessive or Autosomal dominant.
von Willebrand disease type 1 (VWD1). Also called: VWD, TYPE 1; VON WILLEBRAND DISEASE, TYPE I. Identifiers: Orphanet 166078, Orphanet 903, MedGen C1264039, MONDO:0008668, OMIM 193400. Inheritance: autosomal recessive or autosomal dominant.
von Willebrand disease type 3 (VWD3). Also called: Type 3 Von Willebrand's disease; Type 3 VWD; Von Willebrand disease, severe form; V WD3; VON WILLEBRAND DISEASE, TYPE III. Identifiers: Orphanet 166096, MedGen C1264041, MONDO:0010191, OMIM 277480.
von Willebrand disease type 2 (VWD2). Also called: VWD, TYPE 2; VON WILLEBRAND DISEASE, TYPE 2A/IIE; VON WILLEBRAND DISEASE, TYPE 2CB; VON WILLEBRAND DISEASE, TYPE II. Identifiers: Orphanet 166081, Orphanet 903, MedGen C1264040, MONDO:0013304, OMIM 613554.

Allele frequency attached by ClinVar (database versions not stated): TOPMed 0.00020; ESP Exome Variant Server 0.00031; 1000 Genomes Project 30x 0.00234; 1000 Genomes Project 0.00280.
gnomAD v4.1: 1,227 of 1,612,190 alleles (0.076%); highest among the groups gnomAD compares: South Asian, 0.97%; 11 homozygotes.

Submissions (9):

Quest Diagnostics Nichols Institute San Juan Capistrano
Classification: Likely benign. Last evaluated: 2025-08-27. Review status: criteria provided, single submitter. Criteria: Quest Diagnostics criteria. Collection method: clinical testing. Allele origin: unknown.

Institute of Human Genetics Munich, TUM University Hospital
Classification: Uncertain significance for von Willebrand disease type 3. Last evaluated: 2025-01-06. Review status: criteria provided, single submitter. Criteria: Classification criteria August 2017. Collection method: clinical testing. Allele origin: inherited. Inheritance: Autosomal recessive inheritance. Affected: yes. Observed: 1 homozygote.

Women's Health and Genetics/Laboratory Corporation of America, LabCorp
Classification: Likely benign. Last evaluated: 2024-06-14. Review status: criteria provided, single submitter. Criteria: LabCorp Variant Classification Summary - May 2015. Collection method: clinical testing. Allele origin: germline.
Comment: Variant summary: VWF c.3692A>G (p.Asn1231Ser) results in a conservative amino acid change located in the von Willebrand factor, VWA N-terminal domain (IPR032361) of the encoded protein sequence. Four of five in-silico tools predict a benign effect of the variant on protein function. The variant allele was found at a frequency of 0.0014 in 242782 control chromosomes, predominantly at a frequency of 0.0099 within the South Asian subpopulation in the gnomAD database, including 5 homozygotes. The observed variant frequency within South Asian control individuals in the gnomAD database exceeds the estimated maximal expected allele frequency for a pathogenic variant in VWF causing Von Willebrand Disease phenotype.c.3692A>G has been reported in the literature in individuals affected with Von Willebrand Disease (Type 2/ 1H or mild forms) (examples: Ahmad_2013, Van Der Berg_2014, and Borras_2017, Perez-Rodriguez_2021). These reports do not provide unequivocal conclusions about association of the variant with Von Willebrand Disease. One publication reports experimental evidence evaluating an impact on protein function. These results demonstrated normal VWF synthesis, secretion and that variant protein forms normal multimers with the authors speculating either a non-causal outcome or a mild-defect (Ahmed_2013). The following publications have been ascertained in the context of this evaluation (PMID: 23179108, 28971901, 24954083, 34494337). ClinVar contains an entry for this variant (Variation ID: 976752). Based on the evidence outlined above, the variant was classified as likely benign.

CeGaT Center for Human Genetics Tuebingen
Classification: Likely benign. Last evaluated: 2024-06-01. Review status: criteria provided, single submitter. Criteria: CeGaT Center For Human Genetics Tuebingen Variant Classification Criteria Version 2. Collection method: clinical testing. Allele origin: germline. Affected: yes. Observed: 1 variant allele.
Comment: VWF: BP4, BS1

Department of Pathology and Laboratory Medicine, Sinai Health System
Classification: Uncertain significance for von Willebrand disease type 1; von Willebrand disease type 3; von Willebrand disease type 2. Last evaluated: 2022-10-31. Review status: criteria provided, single submitter. Criteria: ACMG Guidelines, 2015. Collection method: research. Allele origin: germline.

Mendelics
Classification: Uncertain significance. Last evaluated: 2022-05-04. Review status: criteria provided, single submitter. Criteria: Mendelics Assertion Criteria 2019. Collection method: clinical testing. Allele origin: germline.

Genetics and Molecular Pathology, SA Pathology
Classification: Uncertain significance for Hereditary von Willebrand disease. Last evaluated: 2021-09-10. Review status: criteria provided, single submitter. Criteria: ACMG Guidelines, 2015. Collection method: clinical testing. Allele origin: germline. Affected: yes.

GeneDx
Classification: Likely benign. Last evaluated: 2021-06-08. Review status: criteria provided, single submitter. Criteria: GeneDx Variant Classification Process June 2021. Collection method: clinical testing. Allele origin: germline. Affected: yes.
Comment: See Variant Classification Assertion Criteria.

ISTH-SSC Genomics in Thrombosis and Hemostasis, KU Leuven, Center for Molecular and Vascular Biology
Classification: Uncertain significance for von Willebrand disease type 1. Review status: criteria provided, single submitter. Criteria: ACMG Guidelines, 2015. Collection method: clinical testing. Allele origin: germline. Affected: yes. Observed: 1 compound heterozygote.
Comment: Submitted to GoldVariant by Kathleen Freson, Center for Molecular and Vascular Biology, Leuven, Belgium

Literature cited by the submitters: PubMed 37647632 (cited by Quest Diagnostics Nichols Institute San Juan Capistrano); PubMed 36696193 (cited by Quest Diagnostics Nichols Institute San Juan Capistrano); PubMed 37845247 (cited by Quest Diagnostics Nichols Institute San Juan Capistrano); PubMed 38532595 (cited by Quest Diagnostics Nichols Institute San Juan Capistrano); PubMed 37796423 (cited by Quest Diagnostics Nichols Institute San Juan Capistrano); PubMed 34494337 (cited by Quest Diagnostics Nichols Institute San Juan Capistrano and Women's Health and Genetics/Laboratory Corporation of America, LabCorp); PubMed 37872709 (cited by Quest Diagnostics Nichols Institute San Juan Capistrano); PubMed 28971901 (cited by Quest Diagnostics Nichols Institute San Juan Capistrano and Women's Health and Genetics/Laboratory Corporation of America, LabCorp); PubMed 34272389 (cited by Quest Diagnostics Nichols Institute San Juan Capistrano); PubMed 34426522 (cited by Quest Diagnostics Nichols Institute San Juan Capistrano); PubMed 23179108 (cited by Quest Diagnostics Nichols Institute San Juan Capistrano and Women's Health and Genetics/Laboratory Corporation of America, LabCorp); PubMed 30488424 (cited by Quest Diagnostics Nichols Institute San Juan Capistrano); PubMed 24954083 (cited by Women's Health and Genetics/Laboratory Corporation of America, LabCorp).

NM_000552.5(VWF):c.3692A>G (p.Asn1231Ser)

Gene: VWF (von Willebrand factor; minus strand). Cytogenetic location: 12p13.31.
Variant type: single nucleotide variant.
Coding change: c.3692A>G on transcript NM_000552.5 (MANE Select); coding-DNA position 3692, A replaced by G.
Protein change: p.Asn1231Ser; replaces asparagine 1231 with serine.
Molecular consequence: missense variant.
Genome position (GRCh38, 1-based): chr12:6,019,726, T>C on the plus strand (A>G on the coding strand, the complement: VWF is on the minus strand). VCF-style: chr12-6019726-T-C. GRCh37 (hg19) VCF-style: chr12-6128892-T-C.
Other names: short protein forms N1231S.
Identifiers: ClinVar variation 976752 (VCV000976752.33), dbSNP rs61749368, ClinGen allele CA6402698.